The following is an entry in ClinVar:

ClinVar aggregate classification (germline): Uncertain significance. Review status: reviewed by expert panel (3 of 4 stars). 2 submissions from 2 submitters: Uncertain significance (1). 1 of the submissions does not count toward it. Last evaluated 2025-07-11.

Conditions:
Inborn genetic diseases. Identifiers: MedGen C0950123, MeSH D030342.
Hereditary thrombocytopenia and hematologic cancer predisposition syndrome. Identifiers: Orphanet 71290, MedGen CN281654, MONDO:0011071.

Submissions (2):

ClinGen Myeloid Malignancy Variant Curation Expert Panel
Classification: Uncertain significance for Hereditary thrombocytopenia and hematologic cancer predisposition syndrome. Last evaluated: 2025-07-11. Review status: reviewed by expert panel. Criteria: ClinGen MyeloMalig ACMG Specifications v2. Collection method: curation. Allele origin: germline. Inheritance: Autosomal dominant inheritance.
Comment: NM_001754.5(RUNX1):c.259G>A (p.Gly87Ser) is a missense variant which is completely absent from all population databases with at least 20x coverage for RUNX1 (PM2_Supporting). In summary, the clinical significance of this variant is uncertain. ACMG/AMP criteria applied, as specified by the Myeloid Malignancy Variant Curation Expert Panel for RUNX1: PM2_supporting.

Ambry Genetics
Classification: Uncertain significance for Inborn genetic diseases. Last evaluated: 2024-12-20. Review status: criteria provided, single submitter. Criteria: Ambry Variant Classification Scheme 2023. Collection method: clinical testing. Allele origin: germline. Not counted in ClinVar's aggregate classification.
Comment: The p.G87S variant (also known as c.259G>A), located in coding exon 3 of the RUNX1 gene, results from a G to A substitution at nucleotide position 259. The glycine at codon 87 is replaced by serine, an amino acid with similar properties. This amino acid position is conserved. In addition, this alteration is predicted to be deleterious by in silico analysis. Based on the available evidence, the clinical significance of this variant remains unclear.

NM_001754.5(RUNX1):c.259G>A (p.Gly87Ser)

Gene: RUNX1 (RUNX family transcription factor 1; minus strand). Cytogenetic location: 21q22.12.
Variant type: single nucleotide variant.
Coding change: c.259G>A on transcript NM_001754.5 (MANE Select); coding-DNA position 259, G replaced by A.
Protein change: p.Gly87Ser; replaces glycine 87 with serine.
Molecular consequence: missense variant.
Genome position (GRCh38, 1-based): chr21:34,886,935, C>T on the plus strand (G>A on the coding strand, the complement: RUNX1 is on the minus strand). VCF-style: chr21-34886935-C-T. GRCh37 (hg19) VCF-style: chr21-36259232-C-T.
Other names: NM_001754.5(RUNX1):c.259G>A; p.Gly87Ser; c.178G>A, p.Gly60Ser (NM_001001890.3, NM_001122607.2); short protein forms G87S, G60S.
Identifiers: ClinVar variation 3791466 (VCV003791466.1).